The following is an entry in ClinVar:

ClinVar aggregate classification (germline): Pathogenic (1 of 4 stars; one submission).

Conditions:
LAMA2-related muscular dystrophy (LAMA2-RD). Also called: Laminin alpha 2-related dystrophy. Identifiers: MedGen C5679788, MONDO:0100228.

Allele frequency attached by ClinVar (database versions not stated): gnomAD exomes below 0.00001.

Submission:

Labcorp Genetics (formerly Invitae), Labcorp
Classification: Pathogenic for LAMA2-related muscular dystrophy. Last evaluated: 2020-11-04. Review status: criteria provided, single submitter. Criteria: Invitae Variant Classification Sherloc (09022015). Collection method: clinical testing. Allele origin: germline.
Comment: For these reasons, this variant has been classified as Pathogenic. This variant has not been reported in the literature in individuals with LAMA2-related conditions. This variant is not present in population databases (ExAC no frequency). This sequence change creates a premature translational stop signal (p.Thr2788Lysfs*6) in the LAMA2 gene. It is expected to result in an absent or disrupted protein product. Loss-of-function variants in LAMA2 are known to be pathogenic (PMID: 18700894).

Literature cited by the submitters: PubMed 18700894.

NM_000426.4(LAMA2):c.8363del (p.Thr2788fs)

Gene: LAMA2 (laminin subunit alpha 2; plus strand). Cytogenetic location: 6q22.33.
Variant type: Deletion.
Coding change: c.8363del on transcript NM_000426.4 (MANE Select); coding-DNA position 8363, one base deleted (C; older notation c.8363delC).
Protein change: p.Thr2788fs; shifts the reading frame from threonine 2788.
Molecular consequence: frameshift variant.
Genome position (GRCh38, 1-based): chr6:129,503,096, C deleted. VCF-style (leftmost placement, unchanged base first): chr6-129503095-AC-A. GRCh37 (hg19) VCF-style: chr6-129824240-AC-A.
Other names: c.8351del, p.Thr2784fs (NM_001079823.2); short protein forms T2788fs, T2784fs.
Identifiers: ClinVar variation 1425139 (VCV001425139.6), dbSNP rs2114890695, ClinGen allele CA2573140493.